The following is an entry in ClinVar:

ClinVar aggregate classification (germline): Uncertain significance (1 of 4 stars; one submission).

Conditions:
Hereditary cancer-predisposing syndrome. Also called: Neoplastic Syndromes, Hereditary; Tumor predisposition; Hereditary neoplastic syndrome; Hereditary Cancer Syndrome. Identifiers: Orphanet 140162, MedGen C0027672, MeSH D009386, MONDO:0015356.

Submission:

Ambry Genetics
Classification: Uncertain significance for Hereditary cancer-predisposing syndrome. Last evaluated: 2022-12-01. Review status: criteria provided, single submitter. Criteria: Ambry Variant Classification Scheme 2023. Collection method: clinical testing. Allele origin: germline.
Comment: The p.D1581Y variant (also known as c.4741G>T), located in coding exon 33 of the SMARCA4 gene, results from a G to T substitution at nucleotide position 4741. The aspartic acid at codon 1581 is replaced by tyrosine, an amino acid with highly dissimilar properties. This amino acid position is highly conserved in available vertebrate species. In addition, this alteration is predicted to be deleterious by in silico analysis. Missense and in-frame variants in SMARCA4 are known to cause neurodevelopmental disorders; however, such associations with rhabdoid tumor predisposition syndrome including small cell carcinoma of the ovary-hypercalcemic type (SCCOHT) are exceedingly rare (Kosho T et al. Am J Med Genet C Semin Med Genet. 2014 Sep;166C(3):262-75; Jelinic P et al. Nat Genet. 2014 May;46(5):424-6). Since supporting evidence is limited at this time, the clinical significance of this alteration remains unclear.

NM_003072.5(SMARCA4):c.4645G>T (p.Asp1549Tyr)

Gene: SMARCA4 (SWI/SNF related BAF chromatin remodeling complex subunit ATPase 4; plus strand). Cytogenetic location: 19p13.2.
Variant type: single nucleotide variant.
Coding change: c.4645G>T on transcript NM_003072.5 (MANE Select); coding-DNA position 4645, G replaced by T.
Protein change: p.Asp1549Tyr; replaces aspartic acid 1549 with tyrosine.
Molecular consequence: missense variant. On other transcripts: non-coding transcript variant (1).
Genome position (GRCh38, 1-based): chr19:11,059,762, G>T. VCF-style: chr19-11059762-G-T. GRCh37 (hg19) VCF-style: chr19-11170438-G-T.
Other names: c.4645G>T, p.Asp1549Tyr (NM_001128844.3); c.4555G>T, p.Asp1519Tyr (NM_001128845.2); c.4552G>T, p.Asp1518Tyr (NM_001128846.2); c.4546G>T, p.Asp1516Tyr (NM_001128847.4, NM_001374457.1); c.4543G>T, p.Asp1515Tyr (NM_001128848.2); c.4741G>T, p.Asp1581Tyr (NM_001128849.3, NM_001387283.1); c.4642G>T, p.Asp1548Tyr (NM_001411150.1); short protein forms D1516Y, D1515Y, D1519Y, D1549Y, D1518Y, D1581Y, D1548Y.
Identifiers: ClinVar variation 2452842 (VCV002452842.2), dbSNP rs2147113038, ClinGen allele CA404079187.